The following is an entry in ClinVar:

ClinVar aggregate classification (germline): Uncertain significance (1 of 4 stars; one submission).

Allele frequency attached by ClinVar (database versions not stated): gnomAD 0.00001; gnomAD exomes 0.00001; TOPMed 0.00002.
gnomAD v4.1: 14 of 1,613,962 alleles (0.00087%); highest among the groups gnomAD compares: African/African-American, 0.004%; no homozygotes.

Submission:

Labcorp Genetics (formerly Invitae), Labcorp
Classification: Uncertain significance. Last evaluated: 2022-07-06. Review status: criteria provided, single submitter. Criteria: Invitae Variant Classification Sherloc (09022015). Collection method: clinical testing. Allele origin: germline.
Comment: Algorithms developed to predict the effect of missense changes on protein structure and function are either unavailable or do not agree on the potential impact of this missense change (SIFT: "Not Available"; PolyPhen-2: "Benign"; Align-GVGD: "Not Available"). ClinVar contains an entry for this variant (Variation ID: 1365966). This variant has not been reported in the literature in individuals affected with ADAMTS18-related conditions. This variant is not present in population databases (gnomAD no frequency). This sequence change replaces threonine with isoleucine at codon 867 of the ADAMTS18 protein (p.Thr867Ile). The threonine residue is moderately conserved and there is a moderate physicochemical difference between threonine and isoleucine. In summary, the available evidence is currently insufficient to determine the role of this variant in disease. Therefore, it has been classified as a Variant of Uncertain Significance.

NM_199355.4(ADAMTS18):c.2600C>T (p.Thr867Ile)

Gene: ADAMTS18 (ADAM metallopeptidase with thrombospondin type 1 motif 18; minus strand). Cytogenetic location: 16q23.1.
Variant type: single nucleotide variant.
Coding change: c.2600C>T on transcript NM_199355.4 (MANE Select); coding-DNA position 2600, C replaced by T.
Protein change: p.Thr867Ile; replaces threonine 867 with isoleucine.
Molecular consequence: missense variant.
Genome position (GRCh38, 1-based): chr16:77,300,337, G>A on the plus strand (C>T on the coding strand, the complement: ADAMTS18 is on the minus strand). VCF-style: chr16-77300337-G-A. GRCh37 (hg19) VCF-style: chr16-77334234-G-A.
Other names: c.2084C>T, p.Thr695Ile (NM_001326358.2); short protein forms T695I, T867I.
Identifiers: ClinVar variation 1365966 (VCV001365966.6), dbSNP rs1404991315, ClinGen allele CA396823716.